The following is an entry in ClinVar:

ClinVar aggregate classification (germline): Uncertain significance. Review status: criteria provided, multiple submitters, no conflicts (2 of 4 stars). 2 submissions from 2 submitters: Uncertain significance (2). Last evaluated 2025-05-07.

Conditions:
Inborn genetic diseases. Identifiers: MedGen C0950123, MeSH D030342.

Allele frequency attached by ClinVar (database versions not stated): gnomAD exomes below 0.00001.
gnomAD v4.1: 2 of 1,595,462 alleles (0.00013%); highest among the groups gnomAD compares: South Asian, 0.0022%; no homozygotes.

Submissions (2):

Ambry Genetics
Classification: Uncertain significance for Inborn genetic diseases. Last evaluated: 2025-05-07. Review status: criteria provided, single submitter. Criteria: Ambry Variant Classification Scheme 2023. Collection method: clinical testing. Allele origin: germline.

Labcorp Genetics (formerly Invitae), Labcorp
Classification: Uncertain significance. Last evaluated: 2022-05-15. Review status: criteria provided, single submitter. Criteria: Invitae Variant Classification Sherloc (09022015). Collection method: clinical testing. Allele origin: germline.
Comment: This variant is present in population databases (no rsID available, gnomAD 0.003%). In summary, the available evidence is currently insufficient to determine the role of this variant in disease. Therefore, it has been classified as a Variant of Uncertain Significance. Algorithms developed to predict the effect of missense changes on protein structure and function output the following: SIFT: "Tolerated"; PolyPhen-2: "Benign"; Align-GVGD: "Class C0". The serine amino acid residue is found in multiple mammalian species, which suggests that this missense change does not adversely affect protein function. This variant has not been reported in the literature in individuals affected with SLC25A12-related conditions. This sequence change replaces alanine, which is neutral and non-polar, with serine, which is neutral and polar, at codon 254 of the SLC25A12 protein (p.Ala254Ser).

NM_003705.5(SLC25A12):c.760G>T (p.Ala254Ser)

Gene: SLC25A12 (solute carrier family 25 member 12; minus strand). Cytogenetic location: 2q31.1.
Variant type: single nucleotide variant.
Coding change: c.760G>T on transcript NM_003705.5 (MANE Select); coding-DNA position 760, G replaced by T.
Protein change: p.Ala254Ser; replaces alanine 254 with serine.
Molecular consequence: missense variant. On other transcripts: non-coding transcript variant (1).
Genome position (GRCh38, 1-based): chr2:171,834,048, C>A on the plus strand (G>T on the coding strand, the complement: SLC25A12 is on the minus strand). VCF-style: chr2-171834048-C-A. GRCh37 (hg19) VCF-style: chr2-172690558-C-A.
Other names: c.760G>T (NM_003705.3); short protein forms A254S.
Identifiers: ClinVar variation 1970779 (VCV001970779.6), dbSNP rs1206301398, ClinGen allele CA349620272.